The following is an entry in ClinVar:

NM_000540.3(RYR1):c.12338G>A (p.Cys4113Tyr)

Gene: RYR1 (ryanodine receptor 1; plus strand). Cytogenetic location: 19q13.2.
Variant type: single nucleotide variant.
Coding change: c.12338G>A on transcript NM_000540.3 (MANE Select); coding-DNA position 12338, G replaced by A.
Protein change: p.Cys4113Tyr; replaces cysteine 4113 with tyrosine.
Molecular consequence: missense variant.
Genome position (GRCh38, 1-based): chr19:38,561,168, G>A. VCF-style: chr19-38561168-G-A. GRCh37 (hg19) VCF-style: chr19-39051808-G-A.
Other names: c.12323G>A, p.Cys4108Tyr (NM_001042723.2); short protein forms C4108Y, C4113Y.
Identifiers: ClinVar variation 4529741 (VCV004529741.1).

ClinVar aggregate classification (germline): Uncertain significance (1 of 4 stars; one submission).

gnomAD v4.1: 1 of 1,614,136 alleles (0.000062%); highest among the groups gnomAD compares: African/African-American, 0.0013%; no homozygotes.

Submission:

GeneDx
Classification: Uncertain significance. Last evaluated: 2025-05-12. Review status: criteria provided, single submitter. Criteria: GeneDx Variant Classification Process June 2021. Collection method: clinical testing. Allele origin: germline. Affected: yes.
Comment: Not observed at significant frequency in large population cohorts (gnomAD); In silico analysis supports that this missense variant has a deleterious effect on protein structure/function; This variant is associated with the following publications: (PMID: 37516995)